The following is an entry in ClinVar:

NM_002470.4(MYH3):c.3415G>A (p.Asp1139Asn)

Gene: MYH3 (myosin heavy chain 3; minus strand). Cytogenetic location: 17p13.1.
Variant type: single nucleotide variant.
Coding change: c.3415G>A on transcript NM_002470.4 (MANE Select); coding-DNA position 3415, G replaced by A.
Protein change: p.Asp1139Asn; replaces aspartic acid 1139 with asparagine.
Molecular consequence: missense variant.
Genome position (GRCh38, 1-based): chr17:10,638,357, C>T on the plus strand (G>A on the coding strand, the complement: MYH3 is on the minus strand). VCF-style: chr17-10638357-C-T. GRCh37 (hg19) VCF-style: chr17-10541674-C-T.
Other names: short protein forms D1139N.
Identifiers: ClinVar variation 2992478 (VCV002992478.19), dbSNP rs138631084, ClinGen allele CA8392522.

ClinVar aggregate classification (germline): Uncertain significance. Review status: criteria provided, multiple submitters, no conflicts (2 of 4 stars). 2 submissions from 2 submitters: Uncertain significance (2). Last evaluated 2025-05-18.

Allele frequency attached by ClinVar (database versions not stated): TOPMed 0.00004; ExAC 0.00005; gnomAD 0.00005; ESP Exome Variant Server 0.00008; gnomAD exomes 0.00003.
gnomAD v4.1: 47 of 1,608,748 alleles (0.0029%); highest among the groups gnomAD compares: African/African-American, 0.0053%; no homozygotes.

Submissions (2):

Labcorp Genetics (formerly Invitae), Labcorp
Classification: Uncertain significance. Last evaluated: 2025-05-18. Review status: criteria provided, single submitter. Criteria: Invitae Variant Classification Sherloc (09022015). Collection method: clinical testing. Allele origin: germline.
Comment: This sequence change replaces aspartic acid, which is acidic and polar, with asparagine, which is neutral and polar, at codon 1139 of the MYH3 protein (p.Asp1139Asn). This variant is present in population databases (rs138631084, gnomAD 0.02%). This variant has not been reported in the literature in individuals affected with MYH3-related conditions. ClinVar contains an entry for this variant (Variation ID: 2992478). Invitae Evidence Modeling of protein sequence and biophysical properties (such as structural, functional, and spatial information, amino acid conservation, physicochemical variation, residue mobility, and thermodynamic stability) indicates that this missense variant is not expected to disrupt MYH3 protein function with a negative predictive value of 95%. In summary, the available evidence is currently insufficient to determine the role of this variant in disease. Therefore, it has been classified as a Variant of Uncertain Significance.

CeGaT Center for Human Genetics Tuebingen
Classification: Uncertain significance. Last evaluated: 2024-08-01. Review status: criteria provided, single submitter. Criteria: CeGaT Center For Human Genetics Tuebingen Variant Classification Criteria Version 2. Collection method: clinical testing. Allele origin: germline. Affected: yes. Observed: 1 variant allele.
Comment: MYH3: PM2